The following is an entry in ClinVar:

NM_138694.4(PKHD1):c.7985_7986del (p.Pro2662fs)

Gene: PKHD1 (PKHD1 ciliary IPT domain containing fibrocystin/polyductin; minus strand). Cytogenetic location: 6p12.2.
Variant type: Deletion.
Coding change: c.7985_7986del on transcript NM_138694.4 (MANE Select); coding-DNA positions 7985 to 7986, 2 bases deleted (CT; older notation c.7985_7986delCT).
Protein change: p.Pro2662fs; shifts the reading frame from proline 2662.
Molecular consequence: frameshift variant.
Genome position (GRCh38, 1-based): chr6:51,847,896-51,847,897, AG deleted on the plus strand (CT on the coding strand, the reverse complement: PKHD1 is on the minus strand). VCF-style (leftmost placement, unchanged base first): chr6-51847895-CAG-C. GRCh37 (hg19) VCF-style: chr6-51712693-CAG-C.
Other names: c.7985_7986del, p.Pro2662fs (NM_170724.3); short protein forms P2662fs.
Identifiers: ClinVar variation 2107567 (VCV002107567.4), dbSNP rs2535687536, ClinGen allele CA2580075437.

ClinVar aggregate classification (germline): Pathogenic (1 of 4 stars; one submission).

Conditions:
Autosomal recessive polycystic kidney disease (ARPKD). Also called: AR polycystic kidney disease. Identifiers: Orphanet 731, Orphanet 8378, MedGen C0085548, MeSH D017044, MONDO:0009889.

Submission:

Labcorp Genetics (formerly Invitae), Labcorp
Classification: Pathogenic for Autosomal recessive polycystic kidney disease. Last evaluated: 2022-03-08. Review status: criteria provided, single submitter. Criteria: Invitae Variant Classification Sherloc (09022015). Collection method: clinical testing. Allele origin: germline.
Comment: This sequence change creates a premature translational stop signal (p.Pro2662Argfs*27) in the PKHD1 gene. It is expected to result in an absent or disrupted protein product. Loss-of-function variants in PKHD1 are known to be pathogenic (PMID: 19940839). This variant is not present in population databases (gnomAD no frequency). This variant has not been reported in the literature in individuals affected with PKHD1-related conditions. For these reasons, this variant has been classified as Pathogenic.

Literature cited by the submitters: PubMed 19940839.